The following is an entry in ClinVar:

ClinVar aggregate classification (germline): Uncertain significance. Review status: criteria provided, single submitter (1 of 4 stars). 2 submissions from 2 submitters: Uncertain significance (1). 1 of the submissions does not count toward it. Last evaluated 2025-07-08.

Conditions:
Duchenne muscular dystrophy (DMD). Also called: Duchenne Muscular Dystrophy (DMD); MUSCULAR DYSTROPHY, PSEUDOHYPERTROPHIC PROGRESSIVE, DUCHENNE TYPE. Identifiers: Orphanet 98896, MedGen C0013264, MONDO:0010679, OMIM 310200.
Dystrophin deficiency.
Becker muscular dystrophy (BMD). Also called: MUSCULAR DYSTROPHY, PSEUDOHYPERTROPHIC PROGRESSIVE, BECKER TYPE; Becker Muscular Dystrophy (BMD). Identifiers: Orphanet 98895, MedGen C0917713, MONDO:0010311, OMIM 300376.
Cardiomyopathy (CMYO). Also called: Cardiomyopathies. Identifiers: Orphanet 167848, MedGen C0878544, MONDO:0004994, HP:0001638. Inheritance: Various modes of inheritance.

Allele frequency attached by ClinVar (database versions not stated): gnomAD exomes 0.00002; gnomAD 0.00001; TOPMed 0.00001.
gnomAD v4.1: 8 of 1,204,283 alleles (0.00066%); highest among the groups gnomAD compares: Admixed American, 0.0067%; no homozygotes.

Submissions (2):

Labcorp Genetics (formerly Invitae), Labcorp
Classification: Uncertain significance for Duchenne muscular dystrophy. Last evaluated: 2025-07-08. Review status: criteria provided, single submitter. Criteria: Invitae Variant Classification Sherloc (09022015). Collection method: clinical testing. Allele origin: germline.
Comment: This sequence change replaces arginine, which is basic and polar, with cysteine, which is neutral and slightly polar, at codon 1719 of the DMD protein (p.Arg1719Cys). This variant is present in population databases (no rsID available, gnomAD 0.01%). This variant has not been reported in the literature in individuals affected with DMD-related conditions. ClinVar contains an entry for this variant (Variation ID: 853361). An algorithm developed to predict the effect of missense changes on protein structure and function outputs the following: PolyPhen-2: "Possibly Damaging". The cysteine amino acid residue is found in multiple mammalian species, which suggests that this missense change does not adversely affect protein function. In summary, the available evidence is currently insufficient to determine the role of this variant in disease. Therefore, it has been classified as a Variant of Uncertain Significance.

Natera, Inc.
Classification: Uncertain significance for Becker muscular dystrophy; Cardiomyopathy; Duchenne muscular dystrophy; Dystrophin deficiency. Last evaluated: 2018-08-14. Review status: no assertion criteria provided. Collection method: clinical testing. Allele origin: germline. Not counted in ClinVar's aggregate classification.

NM_004006.3(DMD):c.5155C>T (p.Arg1719Cys)

Gene: DMD (dystrophin; minus strand). Cytogenetic location: Xp21.1.
Variant type: single nucleotide variant.
Coding change: c.5155C>T on transcript NM_004006.3 (MANE Select); coding-DNA position 5155, C replaced by T.
Protein change: p.Arg1719Cys; replaces arginine 1719 with cysteine.
Molecular consequence: missense variant.
Genome position (GRCh38, 1-based): chrX:32,362,958, G>A on the plus strand (C>T on the coding strand, the complement: DMD is on the minus strand). VCF-style: chrX-32362958-G-A. GRCh37 (hg19) VCF-style: chrX-32381075-G-A.
Other names: c.5131C>T, p.Arg1711Cys (NM_000109.4); c.5143C>T, p.Arg1715Cys (NM_004009.3); c.4786C>T, p.Arg1596Cys (NM_004010.3); c.1132C>T, p.Arg378Cys (NM_004011.4); c.1123C>T, p.Arg375Cys (NM_004012.4); short protein forms R1715C, R375C, R1596C, R1719C, R378C, R1711C.
Identifiers: ClinVar variation 853361 (VCV000853361.6), dbSNP rs1365170508, ClinGen allele CA412671394.
Genomic context (GRCh38, chrX:32,362,958, plus strand): 5'-CTGCTTGGTCACGTGTAGAGTCCACCTTTGGGCGTATGTCATTCAGTTCTGCCTTTAAAC[G>A]CTATATTCCATGAGCAAGAGATAGGACTTGAAGTTAGTAATTAATGAAGGTCAAGATAGA-3'
Protein context (NP_003997.2, residues 1709-1729): KPQQKEDVLK[Arg1719Cys]LKAELNDIRP